The following is an entry in ClinVar:

ClinVar aggregate classification (germline): Conflicting classifications of pathogenicity. Review status: criteria provided, conflicting classifications (1 of 4 stars). 5 submissions from 4 submitters: Uncertain significance (2); Likely benign (3). Last evaluated 2026-06-22.

Conditions:
LAMA3-related disorder. Also called: LAMA3-related disorders; LAMA3-related condition.
Laryngo-onycho-cutaneous syndrome (JEB2C). Also called: EPIDERMOLYSIS BULLOSA, JUNCTIONAL 2C, LARYNGOONYCHOCUTANEOUS; SHABBIR SYNDROME; LOGIC SYNDROME. Identifiers: Orphanet 2407, MedGen C1328355, MONDO:0009513, OMIM 245660.
Junctional epidermolysis bullosa gravis of Herlitz. Also called: EPIDERMOLYSIS BULLOSA, JUNCTIONAL 1B, SEVERE; Epidermolysis Bullosa Letalis; Herlitz-type junctional epidermolysis bullosa; EPIDERMOLYSIS BULLOSA JUNCTIONALIS, HERLITZ TYPE; EPIDERMOLYSIS BULLOSA, JUNCTIONAL, HERLITZ-PEARSON TYPE; JEB-HERLITZ TYPE. Identifiers: Orphanet 79404, MedGen C0079683, MONDO:0009182, OMIM 226700.

Allele frequency attached by ClinVar (database versions not stated): 1000 Genomes Project 30x 0.00016; 1000 Genomes Project 0.00020; ExAC 0.00029; gnomAD 0.00031 and 0.00032; TOPMed 0.00031; gnomAD exomes 0.00037 and 0.00040; ESP Exome Variant Server 0.00038.
gnomAD v4.1: 633 of 1,613,140 alleles (0.039%); highest among the groups gnomAD compares: South Asian, 0.051%; no homozygotes.

Submissions (5):

PreventionGenetics, part of Exact Sciences
Classification: Likely benign for LAMA3-related condition. Last evaluated: 2026-06-22. Review status: criteria provided, single submitter. Criteria: ACMG Guidelines, 2015. Collection method: clinical testing. Allele origin: germline.
Comment: This variant is classified as likely benign based on ACMG/AMP sequence variant interpretation guidelines (Richards et al. 2015 PMID: 25741868, with internal and published modifications).

Labcorp Genetics (formerly Invitae), Labcorp
Classification: Likely benign. Last evaluated: 2026-02-04. Review status: criteria provided, single submitter. Criteria: Invitae Variant Classification Sherloc (09022015). Collection method: clinical testing. Allele origin: germline.

Blueprint Genetics
Classification: Likely benign. Last evaluated: 2024-11-14. Review status: criteria provided, single submitter. Criteria: ACMG Guidelines, 2015. Collection method: clinical testing. Allele origin: germline.

Illumina Laboratory Services, Illumina
Classification: Uncertain significance for Junctional epidermolysis bullosa gravis of Herlitz. Last evaluated: 2018-01-12. Review status: criteria provided, single submitter. Criteria: ICSL Variant Classification Criteria 13 December 2019. Collection method: clinical testing. Allele origin: germline.

Illumina Laboratory Services, Illumina
Classification: Uncertain significance for Laryngo-onycho-cutaneous syndrome. Last evaluated: 2018-01-12. Review status: criteria provided, single submitter. Criteria: ICSL Variant Classification Criteria 13 December 2019. Collection method: clinical testing. Allele origin: germline.

NM_198129.4(LAMA3):c.7545C>T (p.Pro2515=)

Gene: LAMA3 (laminin subunit alpha 3; plus strand). Cytogenetic location: 18q11.2.
Variant type: single nucleotide variant.
Coding change: c.7545C>T on transcript NM_198129.4 (MANE Select); coding-DNA position 7545, C replaced by T.
Protein change: p.Pro2515=; no amino-acid change (proline 2515 retained).
Molecular consequence: synonymous variant.
Genome position (GRCh38, 1-based): chr18:23,914,761, C>T. VCF-style: chr18-23914761-C-T. GRCh37 (hg19) VCF-style: chr18-21494725-C-T.
Other names: c.2718C>T, p.Pro906= (NM_000227.6); c.7377C>T, p.Pro2459= (NM_001127717.4); c.2550C>T, p.Pro850= (NM_001127718.4).
Identifiers: ClinVar variation 326319 (VCV000326319.17), dbSNP rs145460785, ClinGen allele CA8916675.
Genomic context (GRCh38, chr18:23,914,761, plus strand): 5'-TTATCAGTTTGCAAGGCTTAATTACACCAAAGGAGCCACATCCAGTAAACCAGAAACACC[C>T]GGAGTCTATGACATGGATGGTAGAAATAGCAATACACTCCTTAATTTGGATCCTGAAAAT-3'
Protein context (NP_937762.2, residues 2505-2525): KGATSSKPET[Pro2515=]GVYDMDGRNS